The following is an entry in ClinVar:

NM_002941.4(ROBO1):c.4921G>T (p.Asp1641Tyr)

Gene: ROBO1 (roundabout guidance receptor 1; minus strand). Cytogenetic location: 3p12.3.
Variant type: single nucleotide variant.
Coding change: c.4921G>T on transcript NM_002941.4 (MANE Select); coding-DNA position 4921, G replaced by T.
Protein change: p.Asp1641Tyr; replaces aspartic acid 1641 with tyrosine.
Molecular consequence: missense variant.
Genome position (GRCh38, 1-based): chr3:78,600,133, C>A on the plus strand (G>T on the coding strand, the complement: ROBO1 is on the minus strand). VCF-style: chr3-78600133-C-A. GRCh37 (hg19) VCF-style: chr3-78649283-C-A.
Other names: c.4621G>T, p.Asp1541Tyr (NM_001145845.2); c.4786G>T, p.Asp1596Tyr (NM_133631.4); short protein forms D1641Y, D1541Y, D1596Y.
Identifiers: ClinVar variation 4773490 (VCV004773490.1).

ClinVar aggregate classification (germline): Uncertain significance (1 of 4 stars; one submission).

Submission:

Labcorp Genetics (formerly Invitae), Labcorp
Classification: Uncertain significance. Last evaluated: 2025-09-01. Review status: criteria provided, single submitter. Criteria: Invitae Variant Classification Sherloc (09022015). Collection method: clinical testing. Allele origin: germline.
Comment: This sequence change replaces aspartic acid, which is acidic and polar, with tyrosine, which is neutral and polar, at codon 1641 of the ROBO1 protein (p.Asp1641Tyr). This variant is not present in population databases (gnomAD no frequency). This variant has not been reported in the literature in individuals affected with ROBO1-related conditions. Invitae Evidence Modeling of protein sequence and biophysical properties (such as structural, functional, and spatial information, amino acid conservation, physicochemical variation, residue mobility, and thermodynamic stability) indicates that this missense variant is not expected to disrupt ROBO1 protein function with a negative predictive value of 95%. Algorithms developed to predict the effect of sequence changes on RNA splicing suggest that this variant may create or strengthen a splice site. In summary, the available evidence is currently insufficient to determine the role of this variant in disease. Therefore, it has been classified as a Variant of Uncertain Significance.